The following is an entry in ClinVar:

NM_000057.4(BLM):c.1481C>T (p.Thr494Ile)

Gene: BLM (BLM RecQ like helicase; plus strand). Cytogenetic location: 15q26.1.
Variant type: single nucleotide variant.
Coding change: c.1481C>T on transcript NM_000057.4 (MANE Select); coding-DNA position 1481, C replaced by T.
Protein change: p.Thr494Ile; replaces threonine 494 with isoleucine.
Molecular consequence: missense variant.
Genome position (GRCh38, 1-based): chr15:90,760,854, C>T. VCF-style: chr15-90760854-C-T. GRCh37 (hg19) VCF-style: chr15-91304084-C-T.
Other names: c.1481C>T (NM_000057.2); c.1481C>T, p.Thr494Ile (NM_001287246.2, NM_001287247.2); c.356C>T, p.Thr119Ile (NM_001287248.2); short protein forms T494I, T119I.
Identifiers: ClinVar variation 454079 (VCV000454079.16), dbSNP rs751600686, ClinGen allele CA393843153.

ClinVar aggregate classification (germline): Conflicting classifications of pathogenicity. Review status: criteria provided, conflicting classifications (1 of 4 stars). 6 submissions from 6 submitters: Uncertain significance (3); Likely benign (2). 1 of the submissions does not count toward it. Last evaluated 2026-08-01.

Conditions:
Hereditary cancer-predisposing syndrome. Also called: Hereditary neoplastic syndrome; Tumor predisposition; Neoplastic Syndromes, Hereditary; Hereditary Cancer Syndrome. Identifiers: Orphanet 140162, MedGen C0027672, MeSH D009386, MONDO:0015356.
Bloom syndrome (BLM). Also called: Bloom-Torre-Machacek syndrome. Identifiers: Orphanet 125, MedGen C0005859, MONDO:0008876, OMIM 210900.

Allele frequency attached by ClinVar (database versions not stated): TOPMed 0.00001.
gnomAD v4.1: 16 of 1,613,922 alleles (0.00099%); highest among the groups gnomAD compares: Non-Finnish European, 0.0014%; no homozygotes.

Submissions (6):

CeGaT Center for Human Genetics Tuebingen
Classification: Likely benign. Last evaluated: 2026-08-01. Review status: criteria provided, single submitter. Criteria: CeGaT Center For Human Genetics Tuebingen Variant Classification Criteria Version 2. Collection method: clinical testing. Allele origin: germline. Affected: yes. Observed: 1 variant allele.
Comment: BLM: BP4

Labcorp Genetics (formerly Invitae), Labcorp
Classification: Uncertain significance for Bloom syndrome. Last evaluated: 2025-12-15. Review status: criteria provided, single submitter. Criteria: Invitae Variant Classification Sherloc (09022015). Collection method: clinical testing. Allele origin: germline.
Comment: This sequence change replaces threonine, which is neutral and polar, with isoleucine, which is neutral and non-polar, at codon 494 of the BLM protein (p.Thr494Ile). This variant is present in population databases (no rsID available, gnomAD 0.004%). This variant has not been reported in the literature in individuals affected with BLM-related conditions. ClinVar contains an entry for this variant (Variation ID: 454079). Invitae Evidence Modeling of protein sequence and biophysical properties (such as structural, functional, and spatial information, amino acid conservation, physicochemical variation, residue mobility, and thermodynamic stability) indicates that this missense variant is not expected to disrupt BLM protein function with a negative predictive value of 80%. In summary, the available evidence is currently insufficient to determine the role of this variant in disease. Therefore, it has been classified as a Variant of Uncertain Significance.

GeneDx
Classification: Uncertain significance. Last evaluated: 2024-07-30. Review status: criteria provided, single submitter. Criteria: GeneDx Variant Classification Process June 2021. Collection method: clinical testing. Allele origin: germline. Affected: yes.
Comment: Not observed at significant frequency in large population cohorts (gnomAD); In silico analysis indicates that this missense variant does not alter protein structure/function; Has not been previously published as pathogenic or benign to our knowledge

Ambry Genetics
Classification: Likely benign for Hereditary cancer-predisposing syndrome. Last evaluated: 2024-03-14. Review status: criteria provided, single submitter. Criteria: Ambry Variant Classification Scheme 2023. Collection method: clinical testing. Allele origin: germline.

Mendelics
Classification: Uncertain significance for Bloom syndrome. Last evaluated: 2018-07-02. Review status: criteria provided, single submitter. Criteria: Mendelics Assertion Criteria 2017. Collection method: clinical testing. Allele origin: unknown.

Natera, Inc.
Classification: Uncertain significance for Bloom syndrome. Last evaluated: 2018-08-14. Review status: no assertion criteria provided. Collection method: clinical testing. Allele origin: germline. Not counted in ClinVar's aggregate classification.